The following is an entry in ClinVar:

NM_182972.3(IRF2BP2):c.339C>T (p.Ala113=)

Genes: IRF2BP2 (interferon regulatory factor 2 binding protein 2; minus strand), LOC129932812 (ATAC-STARR-seq lymphoblastoid silent region 1977; plus strand). Cytogenetic location: 1q42.3.
Variant type: single nucleotide variant.
Coding change: c.339C>T on transcript NM_182972.3 (MANE Select); coding-DNA position 339, C replaced by T.
Protein change: p.Ala113=; no amino-acid change (alanine 113 retained).
Molecular consequence: synonymous variant.
Genome position (GRCh38, 1-based): chr1:234,609,156, G>A on the plus strand (C>T on the coding strand, the complement: IRF2BP2 is on the minus strand). VCF-style: chr1-234609156-G-A. GRCh37 (hg19) VCF-style: chr1-234744902-G-A.
Other names: c.339C>T, p.Ala113= (NM_001077397.1).
Identifiers: ClinVar variation 3018580 (VCV003018580.20), dbSNP rs879753707, ClinGen allele CA424050143.

ClinVar aggregate classification (germline): Likely benign. Review status: criteria provided, multiple submitters, no conflicts (2 of 4 stars). 3 submissions from 3 submitters: Likely benign (3). Last evaluated 2024-11-02.

Allele frequency attached by ClinVar (database versions not stated): gnomAD 0.00001; TOPMed 0.00002.
gnomAD v4.1: 2 of 1,271,788 alleles (0.00016%); highest among the groups gnomAD compares: Admixed American, 0.0043%; no homozygotes.

Submissions (3):

Labcorp Genetics (formerly Invitae), Labcorp
Classification: Likely benign. Last evaluated: 2024-11-02. Review status: criteria provided, single submitter. Criteria: Invitae Variant Classification Sherloc (09022015). Collection method: clinical testing. Allele origin: germline.

CeGaT Center for Human Genetics Tuebingen
Classification: Likely benign. Last evaluated: 2024-08-01. Review status: criteria provided, single submitter. Criteria: CeGaT Center For Human Genetics Tuebingen Variant Classification Criteria Version 2. Collection method: clinical testing. Allele origin: germline. Affected: yes. Observed: 1 variant allele.
Comment: IRF2BP2: BP4, BP7

Blueprint Genetics
Classification: Likely benign. Last evaluated: 2023-07-12. Review status: criteria provided, single submitter. Criteria: ACMG Guidelines, 2015. Collection method: clinical testing. Allele origin: germline.